The following is an entry in ClinVar:

NM_058179.4(PSAT1):c.665G>A (p.Arg222Gln)

Gene: PSAT1 (phosphoserine aminotransferase 1; plus strand). Cytogenetic location: 9q21.2.
Variant type: single nucleotide variant.
Coding change: c.665G>A on transcript NM_058179.4 (MANE Select); coding-DNA position 665, G replaced by A.
Protein change: p.Arg222Gln; replaces arginine 222 with glutamine.
Molecular consequence: missense variant.
Genome position (GRCh38, 1-based): chr9:78,308,508, G>A. VCF-style: chr9-78308508-G-A. GRCh37 (hg19) VCF-style: chr9-80923424-G-A.
Other names: c.665G>A, p.Arg222Gln (NM_021154.5); short protein forms R222Q.
Identifiers: ClinVar variation 914108 (VCV000914108.9), dbSNP rs114496656, ClinGen allele CA5095684.

ClinVar aggregate classification (germline): Uncertain significance. Review status: criteria provided, multiple submitters, no conflicts (2 of 4 stars). 3 submissions from 3 submitters: Uncertain significance (2). 1 of the submissions does not count toward it. Last evaluated 2022-10-24.

Conditions:
PSAT deficiency. Identifiers: Orphanet 284417, MedGen C1970253, MONDO:0012596, OMIM 610992.
Neu-Laxova syndrome 2. Identifiers: Orphanet 2671, Orphanet 583602, MedGen C4015019, MONDO:0014466, OMIM 616038.

Allele frequency attached by ClinVar (database versions not stated): gnomAD exomes 0.00003 and 0.00010; ExAC 0.00013; TOPMed 0.00037; gnomAD 0.00039 and 0.00041; 1000 Genomes Project 30x 0.00062; ESP Exome Variant Server 0.00069; 1000 Genomes Project 0.00080.
gnomAD v4.1: 115 of 1,614,052 alleles (0.0071%); highest among the groups gnomAD compares: African/African-American, 0.11%; no homozygotes.

Submissions (3):

Labcorp Genetics (formerly Invitae), Labcorp
Classification: Uncertain significance for Neu-Laxova syndrome 2. Last evaluated: 2022-10-24. Review status: criteria provided, single submitter. Criteria: Invitae Variant Classification Sherloc (09022015). Collection method: clinical testing. Allele origin: germline.
Comment: This sequence change replaces arginine, which is basic and polar, with glutamine, which is neutral and polar, at codon 222 of the PSAT1 protein (p.Arg222Gln). This variant is present in population databases (rs114496656, gnomAD 0.1%). This variant has not been reported in the literature in individuals affected with PSAT1-related conditions. ClinVar contains an entry for this variant (Variation ID: 914108). Advanced modeling of protein sequence and biophysical properties (such as structural, functional, and spatial information, amino acid conservation, physicochemical variation, residue mobility, and thermodynamic stability) performed at Invitae indicates that this missense variant is not expected to disrupt PSAT1 protein function. Experimental studies have shown that this missense change does not substantially affect PSAT1 function (PMID: 32077105). In summary, the available evidence is currently insufficient to determine the role of this variant in disease. Therefore, it has been classified as a Variant of Uncertain Significance.

Illumina Laboratory Services, Illumina
Classification: Uncertain significance for PSAT deficiency. Last evaluated: 2018-01-12. Review status: criteria provided, single submitter. Criteria: ICSL Variant Classification Criteria 13 December 2019. Collection method: clinical testing. Allele origin: germline.

Dudley Research Group, Pacific Northwest Research Institute
No classification provided. Review status: no classification provided. Collection method: research, in vivo. Allele origin: unknown, not applicable. Functional consequence: functionally_normal. Not counted in ClinVar's aggregate classification.

Literature cited by the submitters: PubMed 32077105 (cited by Labcorp Genetics (formerly Invitae), Labcorp).